The following is an entry in ClinVar:

ClinVar aggregate classification (germline): Uncertain significance (1 of 4 stars; one submission).

Conditions:
Neurodevelopmental disorder. Identifiers: MedGen C1535926, MeSH D065886, MONDO:0700092.

Allele frequency attached by ClinVar (database versions not stated): gnomAD 0.00001 and 0.00004; TOPMed 0.00002; ExAC 0.00010.
gnomAD v4.1: 120 of 1,613,640 alleles (0.0074%); highest among the groups gnomAD compares: South Asian, 0.1%; 2 homozygotes.

Submission:

Institute of Human Genetics, University of Leipzig Medical Center
Classification: Uncertain significance for Neurodevelopmental disorder. Last evaluated: 2019-01-01. Review status: criteria provided, single submitter. Criteria: ACMG Guidelines, 2015. Collection method: clinical testing. Allele origin: unknown. Affected: yes.
Comment: This variant was identified as compound heterozygous.

NM_138690.3(GRIN3B):c.1811C>T (p.Thr604Met)

Gene: GRIN3B (glutamate ionotropic receptor NMDA type subunit 3B; plus strand). Cytogenetic location: 19p13.3.
Variant type: single nucleotide variant.
Coding change: c.1811C>T on transcript NM_138690.3 (MANE Select); coding-DNA position 1811, C replaced by T.
Protein change: p.Thr604Met; replaces threonine 604 with methionine.
Molecular consequence: missense variant.
Genome position (GRCh38, 1-based): chr19:1,005,312, C>T. VCF-style: chr19-1005312-C-T. GRCh37 (hg19) VCF-style: chr19-1005311-C-T.
Other names: short protein forms T604M.
Identifiers: ClinVar variation 983129 (VCV000983129.1), dbSNP rs765385702, ClinGen allele CA9030554.